The following is an entry in ClinVar:

ClinVar aggregate classification (germline): Uncertain significance (1 of 4 stars; one submission).

Conditions:
DiGeorge syndrome. Also called: THIRD AND FOURTH PHARYNGEAL POUCH SYNDROME; Catch22. Identifiers: Orphanet 567, MedGen C0012236, MONDO:0008564, OMIM 188400.

Submission:

Labcorp Genetics (formerly Invitae), Labcorp
Classification: Uncertain significance for DiGeorge syndrome. Last evaluated: 2024-07-23. Review status: criteria provided, single submitter. Criteria: Invitae Variant Classification Sherloc (09022015). Collection method: clinical testing. Allele origin: germline.
Comment: This sequence change replaces alanine, which is neutral and non-polar, with proline, which is neutral and non-polar, at codon 182 of the TBX1 protein (p.Ala182Pro). This variant is not present in population databases (gnomAD no frequency). This variant has not been reported in the literature in individuals affected with TBX1-related conditions. Advanced modeling of protein sequence and biophysical properties (such as structural, functional, and spatial information, amino acid conservation, physicochemical variation, residue mobility, and thermodynamic stability) performed at Invitae indicates that this missense variant is expected to disrupt TBX1 protein function with a positive predictive value of 80%. In summary, the available evidence is currently insufficient to determine the role of this variant in disease. Therefore, it has been classified as a Variant of Uncertain Significance.

NM_001379200.1(TBX1):c.571G>C (p.Ala191Pro)

Gene: TBX1 (T-box transcription factor 1; plus strand). Cytogenetic location: 22q11.21.
Variant type: single nucleotide variant.
Coding change: c.571G>C on transcript NM_001379200.1 (MANE Select); coding-DNA position 571, G replaced by C.
Protein change: p.Ala191Pro; replaces alanine 191 with proline.
Molecular consequence: missense variant.
Genome position (GRCh38, 1-based): chr22:19,764,186, G>C. VCF-style: chr22-19764186-G-C. GRCh37 (hg19) VCF-style: chr22-19751709-G-C.
Other names: c.544G>C, p.Ala182Pro (NM_005992.1, NM_080646.2, NM_080647.1); short protein forms A182P, A191P.
Identifiers: ClinVar variation 3660308 (VCV003660308.2).